The following is an entry in ClinVar:

NM_004304.5(ALK):c.3742C>T (p.Arg1248Ter)

Gene: ALK (ALK receptor tyrosine kinase; minus strand). Cytogenetic location: 2p23.2.
Variant type: single nucleotide variant.
Coding change: c.3742C>T on transcript NM_004304.5 (MANE Select); coding-DNA position 3742, C replaced by T.
Protein change: p.Arg1248Ter; replaces arginine 1248 with a stop codon.
Molecular consequence: nonsense.
Genome position (GRCh38, 1-based): chr2:29,213,985, G>A on the plus strand (C>T on the coding strand, the complement: ALK is on the minus strand). VCF-style: chr2-29213985-G-A. GRCh37 (hg19) VCF-style: chr2-29436851-G-A.
Other names: c.538C>T, p.Arg180Ter (NM_001353765.2); short protein forms R1248*, R180*.
Identifiers: ClinVar variation 404369 (VCV000404369.22), dbSNP rs145028315, ClinGen allele CA1593801.

ClinVar aggregate classification (germline): Conflicting classifications of pathogenicity. Review status: criteria provided, conflicting classifications (1 of 4 stars). 5 submissions from 5 submitters: Uncertain significance (2); Likely benign (3). Last evaluated 2026-01-26.

Conditions:
Hereditary cancer-predisposing syndrome. Also called: Neoplastic Syndromes, Hereditary; Tumor predisposition; Hereditary Cancer Syndrome; Hereditary neoplastic syndrome. Identifiers: Orphanet 140162, MedGen C0027672, MeSH D009386, MONDO:0015356.
Neuroblastoma, susceptibility to, 3. Also called: ALK-Related Neuroblastic Tumor Susceptibility. Identifiers: Orphanet 635, MedGen C2751681, MONDO:0013083, OMIM 613014.

Allele frequency attached by ClinVar (database versions not stated): gnomAD 0.00003; TOPMed 0.00005; ESP Exome Variant Server 0.00015.
gnomAD v4.1: 42 of 1,612,852 alleles (0.0026%); highest among the groups gnomAD compares: African/African-American, 0.0093%; no homozygotes.

Submissions (5):

Labcorp Genetics (formerly Invitae), Labcorp
Classification: Likely benign for Neuroblastoma, susceptibility to, 3. Last evaluated: 2026-01-26. Review status: criteria provided, single submitter. Criteria: Invitae Variant Classification Sherloc (09022015). Collection method: clinical testing. Allele origin: germline.

Ambry Genetics
Classification: Likely benign for Hereditary cancer-predisposing syndrome. Last evaluated: 2024-12-13. Review status: criteria provided, single submitter. Criteria: Ambry Variant Classification Scheme 2023. Collection method: clinical testing. Allele origin: germline.

Blueprint Genetics
Classification: Uncertain significance. Last evaluated: 2024-09-14. Review status: criteria provided, single submitter. Criteria: ACMG Guidelines, 2015. Collection method: clinical testing. Allele origin: germline.

GeneDx
Classification: Uncertain significance. Last evaluated: 2024-07-18. Review status: criteria provided, single submitter. Criteria: GeneDx Variant Classification Process June 2021. Collection method: clinical testing. Allele origin: germline. Affected: yes.
Comment: Nonsense variant predicted to result in protein truncation or nonsense mediated decay in a gene for which loss-of-function is not an established mechanism of disease; Observed in a patient with intraductal papillary mucinous neoplasm (PMID: 30716324); This variant is associated with the following publications: (PMID: 30716324)

Sema4
Classification: Likely benign for Hereditary cancer-predisposing syndrome. Last evaluated: 2020-07-21. Review status: criteria provided, single submitter. Criteria: Sema4 Curation Guidelines. Collection method: curation. Allele origin: germline.

Literature cited by the submitters: PubMed 23334666 (cited by Ambry Genetics); PubMed 30716324 (cited by Sema4).